The following is an entry in ClinVar:

ClinVar aggregate classification (germline): Uncertain significance. Review status: criteria provided, multiple submitters, no conflicts (2 of 4 stars). 3 submissions from 3 submitters: Uncertain significance (3). Last evaluated 2025-10-08.

Conditions:
MAK-related disorder. Also called: MAK-related condition.
Inborn genetic diseases. Identifiers: MedGen C0950123, MeSH D030342.

Allele frequency attached by ClinVar (database versions not stated): gnomAD exomes below 0.00001; ExAC 0.00001; gnomAD 0.00001; TOPMed 0.00001; ESP Exome Variant Server 0.00008.
gnomAD v4.1: 28 of 1,613,930 alleles (0.0017%); highest among the groups gnomAD compares: Non-Finnish European, 0.0024%; no homozygotes.

Submissions (3):

PreventionGenetics, part of Exact Sciences
Classification: Uncertain significance for MAK-related condition. Last evaluated: 2025-10-08. Review status: criteria provided, single submitter. Criteria: ACMG Guidelines, 2015. Collection method: clinical testing. Allele origin: germline.
Comment: The MAK c.1847A>C variant is predicted to result in the amino acid substitution p.Asn616Thr. To our knowledge, this variant has not been reported in the literature. This variant is reported in 0.00089% of alleles in individuals of European (Non-Finnish) descent in gnomAD. At this time, the clinical significance of this variant is uncertain due to the absence of conclusive functional and genetic evidence.

Labcorp Genetics (formerly Invitae), Labcorp
Classification: Uncertain significance. Last evaluated: 2022-07-06. Review status: criteria provided, single submitter. Criteria: Invitae Variant Classification Sherloc (09022015). Collection method: clinical testing. Allele origin: germline.
Comment: This sequence change replaces asparagine, which is neutral and polar, with threonine, which is neutral and polar, at codon 616 of the MAK protein (p.Asn616Thr). This variant is present in population databases (rs371429892, gnomAD 0.0009%). This variant has not been reported in the literature in individuals affected with MAK-related conditions. ClinVar contains an entry for this variant (Variation ID: 957290). Advanced modeling of protein sequence and biophysical properties (such as structural, functional, and spatial information, amino acid conservation, physicochemical variation, residue mobility, and thermodynamic stability) performed at Invitae indicates that this missense variant is not expected to disrupt MAK protein function. In summary, the available evidence is currently insufficient to determine the role of this variant in disease. Therefore, it has been classified as a Variant of Uncertain Significance.

Ambry Genetics
Classification: Uncertain significance for Inborn genetic diseases. Last evaluated: 2021-10-29. Review status: criteria provided, single submitter. Criteria: Ambry Variant Classification Scheme 2023. Collection method: clinical testing. Allele origin: germline.

NM_001242957.3(MAK):c.1847A>C (p.Asn616Thr)

Gene: MAK (male germ cell associated kinase; minus strand). Cytogenetic location: 6p24.2.
Variant type: single nucleotide variant.
Coding change: c.1847A>C on transcript NM_001242957.3 (MANE Select); coding-DNA position 1847, A replaced by C.
Protein change: p.Asn616Thr; replaces asparagine 616 with threonine.
Molecular consequence: missense variant. On other transcripts: non-coding transcript variant (2).
Genome position (GRCh38, 1-based): chr6:10,764,552, T>G on the plus strand (A>C on the coding strand, the complement: MAK is on the minus strand). VCF-style: chr6-10764552-T-G. GRCh37 (hg19) VCF-style: chr6-10764785-T-G.
Other names: c.1772A>C (NM_005906.4); c.1652A>C, p.Asn551Thr (NM_001242385.2); c.1550A>C, p.Asn517Thr (NM_001377262.1); c.1772A>C, p.Asn591Thr (NM_005906.6); short protein forms N517T, N551T, N591T, N616T.
Identifiers: ClinVar variation 957290 (VCV000957290.8), dbSNP rs371429892, ClinGen allele CA3633326.